The following is an entry in ClinVar:

ClinVar aggregate classification (germline): Uncertain significance (1 of 4 stars; one submission).

Conditions:
Predisposition to Wilms tumor.

gnomAD v4.1: 1 of 1,612,872 alleles (0.000062%); highest among the groups gnomAD compares: Admixed American, 0.0017%; no homozygotes.

Submission:

St. Jude Molecular Pathology, St. Jude Children's Research Hospital
Classification: Uncertain significance for Predisposition to Wilms tumor. Last evaluated: 2026-10-01. Review status: criteria provided, single submitter. Criteria: St. Jude Assertion Criteria 2020. Collection method: clinical testing. Allele origin: germline.
Comment: The TRIM28 c.2048G>T p.(Ser683Ile) missense change is absent in gnomAD v2.1.1. The in silico tool REVEL predicts a benign effect on protein function, but to our knowledge this prediction has not been confirmed by functional studies. To our knowledge, this variant has not been reported in individuals with Wilms tumor. In summary, the ev idence currently available is insufficient to determine the clinical significance of this variant. It has therefore been classified as of uncertain significance.

NM_005762.3(TRIM28):c.2048G>T (p.Ser683Ile)

Gene: TRIM28 (tripartite motif containing 28; plus strand). Cytogenetic location: 19q13.43.
Variant type: single nucleotide variant.
Coding change: c.2048G>T on transcript NM_005762.3 (MANE Select); coding-DNA position 2048, G replaced by T.
Protein change: p.Ser683Ile; replaces serine 683 with isoleucine.
Molecular consequence: missense variant.
Genome position (GRCh38, 1-based): chr19:58,549,802, G>T. VCF-style: chr19-58549802-G-T. GRCh37 (hg19) VCF-style: chr19-59061169-G-T.
Other names: short protein forms S683I.
Identifiers: ClinVar variation 5038356 (VCV005038356.1).
Genomic context (GRCh38, chr19:58,549,802, plus strand): 5'-AGTGGAGCTGCTCACTCTGCCATGTGCTCCCTGACCTGAAGGAGGAGGATGGCAGCCTCA[G>T]CCTGGATGGTGCAGACAGCACTGGCGTGGTGGCCAAGCTCTCACCAGCCAACCAGCGGGT-3'
Protein context (NP_005753.1, residues 673-693): PDLKEEDGSL[Ser683Ile]LDGADSTGVV